The following is an entry in ClinVar:

NM_020778.5(ALPK3):c.-18G>C

Gene: ALPK3 (alpha kinase 3; plus strand). Cytogenetic location: 15q25.3.
Variant type: single nucleotide variant.
Coding change: c.-18G>C on transcript NM_020778.5 (MANE Select); 18 bases upstream of the start codon, G replaced by C.
Molecular consequence: 5 prime UTR variant.
Genome position (GRCh38, 1-based): chr15:84,817,435, G>C. VCF-style: chr15-84817435-G-C. GRCh37 (hg19) VCF-style: chr15-85360666-G-C.
Identifiers: ClinVar variation 3113830 (VCV003113830.3), dbSNP rs1963372273, ClinGen allele CA393369222.
Genomic context (GRCh38, chr15:84,817,435, plus strand): 5'-AGGGGCCCGGGGGCCGGGGCCTGGAGGACAGGCGAGGCAGCGGCGAGTGCGGGGCCGGCG[G>C]TCGGGGAGGGCGGTGCCATGGGGTCGCGGAGGGCCCCCAGCCGGGGCTGGGGCGCGGGTG-3'

ClinVar aggregate classification (germline): Conflicting classifications of pathogenicity. Review status: criteria provided, conflicting classifications (1 of 4 stars). 2 submissions from 2 submitters: Uncertain significance (1); Likely benign (1). Last evaluated 2025-02-20.

Conditions:
Cardiovascular phenotype. Identifiers: MedGen CN230736.

Allele frequency attached by ClinVar (database versions not stated): TOPMed below 0.00001.
gnomAD v4.1: 10 of 1,265,424 alleles (0.00079%); highest among the groups gnomAD compares: Non-Finnish European, 0.00089%; no homozygotes.

Submissions (2):

Labcorp Genetics (formerly Invitae), Labcorp
Classification: Uncertain significance. Last evaluated: 2025-02-20. Review status: criteria provided, single submitter. Criteria: Invitae Variant Classification Sherloc (09022015). Collection method: clinical testing. Allele origin: germline.
Comment: This sequence change replaces valine, which is neutral and non-polar, with leucine, which is neutral and non-polar, at codon 197 of the ALPK3 protein (p.Val197Leu). This variant is not present in population databases (gnomAD no frequency). This variant has not been reported in the literature in individuals affected with ALPK3-related conditions. ClinVar contains an entry for this variant (Variation ID: 3113830). An algorithm developed to predict the effect of missense changes on protein structure and function (PolyPhen-2) suggests that this variant is likely to be tolerated. In summary, the available evidence is currently insufficient to determine the role of this variant in disease. Therefore, it has been classified as a Variant of Uncertain Significance.

Ambry Genetics
Classification: Likely benign for Cardiovascular phenotype. Last evaluated: 2024-08-30. Review status: criteria provided, single submitter. Criteria: Ambry Variant Classification Scheme 2023. Collection method: clinical testing. Allele origin: germline.